The following is an entry in ClinVar:

NM_017780.4(CHD7):c.6937-2A>G

Gene: CHD7 (chromodomain helicase DNA binding protein 7; plus strand). Cytogenetic location: 8q12.2.
Variant type: single nucleotide variant.
Coding change: c.6937-2A>G on transcript NM_017780.4 (MANE Select); the canonical splice acceptor site of the intron before coding-DNA position 6937, A replaced by G.
Molecular consequence: splice acceptor variant. On other transcripts: intron variant (1).
Genome position (GRCh38, 1-based): chr8:60,855,973, A>G. VCF-style: chr8-60855973-A-G. GRCh37 (hg19) VCF-style: chr8-61768532-A-G.
Other names: c.1717-6256A>G (NM_001316690.1).
Identifiers: ClinVar variation 651945 (VCV000651945.2), dbSNP rs1586451506, ClinGen allele CA371297606.
Genomic context (GRCh38, chr8:60,855,973, plus strand): 5'-TTATCTAGTAATTTTAACCAGGGCTTTGTTAAAATTTCTTGTGACTTTTCTTCTCCCTCC[A>G]GGATAGAGTAATGATAAACCGCTTAGACAACATCTGTGAAGCAGTGTTGAAAGGCAAATG-3'

ClinVar aggregate classification (germline): Pathogenic. Review status: criteria provided, multiple submitters, no conflicts (2 of 4 stars). 2 submissions from 2 submitters: Pathogenic (2). Last evaluated 2022-12-22.

Conditions:
CHARGE syndrome (CHARGE). Also called: Coloboma, heart anomaly, choanal atresia, retardation, genital and ear anomalies; CHARGE association; Hall-Hittner syndrome; Hittner Hirsch Kreh syndrome; CHARGE ASSOCIATION--COLOBOMA, HEART ANOMALY, CHOANAL ATRESIA, RETARDATION, GENITAL AND EAR ANOMALIES. Identifiers: Orphanet 138, MedGen C0265354, MONDO:0008965.

Submissions (2):

GeneDx
Classification: Pathogenic. Last evaluated: 2022-12-22. Review status: criteria provided, single submitter. Criteria: GeneDx Variant Classification Process June 2021. Collection method: clinical testing. Allele origin: germline. Affected: yes.
Comment: Reported in patients with CHARGE syndrome (Janssen et al., 2012); Canonical splice site variant expected to result in aberrant splicing, although in the absence of functional evidence the actual effect of this sequence change is unknown.; Not observed at significant frequency in large population cohorts (gnomAD); This variant is associated with the following publications: (PMID: 29304373, 22461308, 26538304)

Labcorp Genetics (formerly Invitae), Labcorp
Classification: Pathogenic for CHARGE association. Last evaluated: 2018-08-03. Review status: criteria provided, single submitter. Criteria: Invitae Variant Classification Sherloc (09022015). Collection method: clinical testing. Allele origin: germline.
Comment: This sequence change affects an acceptor splice site in intron 32 of the CHD7 gene. It is expected to disrupt RNA splicing and likely results in an absent or disrupted protein product. This variant is not present in population databases (ExAC no frequency). Disruption of this splice site has been observed to be de novo in an individual affected with CHARGE syndrome (PMID: 22461308) and observed in individuals affected with this disease (PMID: 22461308, 26538304,Â¬â€ 29304373). Algorithms developed to predict the effect of sequence changes on RNA splicing suggest that this variant may disrupt the consensus splice site, but this prediction has not been confirmed by published transcriptional studies. Donor and acceptor splice site variants typically lead to a loss of protein function (PMID: 16199547), and loss-of-function variants in CHD7 are known to be pathogenic (PMID: 22461308, 25077900). For these reasons, this variant has been classified as Pathogenic.

Literature cited by the submitters: PubMed 25077900 (cited by Labcorp Genetics (formerly Invitae), Labcorp); PubMed 22461308 (cited by Labcorp Genetics (formerly Invitae), Labcorp); PubMed 26538304 (cited by Labcorp Genetics (formerly Invitae), Labcorp).